The following is an entry in ClinVar:

NM_000203.5(IDUA):c.653T>C (p.Leu218Pro)

Gene: IDUA (alpha-L-iduronidase; plus strand). Cytogenetic location: 4p16.3.
Variant type: single nucleotide variant.
Coding change: c.653T>C on transcript NM_000203.5 (MANE Select); coding-DNA position 653, T replaced by C.
Protein change: p.Leu218Pro; replaces leucine 218 with proline.
Molecular consequence: missense variant. On other transcripts: non-coding transcript variant (1).
Genome position (GRCh38, 1-based): chr4:1,001,742, T>C. VCF-style: chr4-1001742-T-C. GRCh37 (hg19) VCF-style: chr4-995530-T-C.
Other names: c.257T>C, p.Leu86Pro (NM_001363576.1); c.653T>C (NM_000203.4); short protein forms L218P, L86P.
Identifiers: ClinVar variation 222995 (VCV000222995.26), dbSNP rs869025584, ClinGen allele CA356986.

ClinVar aggregate classification (germline): Pathogenic. Review status: reviewed by expert panel (3 of 4 stars). 8 submissions from 8 submitters: Pathogenic (1). 7 of the submissions do not count toward it. Last evaluated 2025-12-14.

Conditions:
Mucopolysaccharidosis type 1. Also called: IDUA deficiency; MPS I; Mucopolysaccharidosis Type I. Identifiers: Orphanet 579, MedGen C0023786, MONDO:0001586.
Mucopolysaccharidosis, MPS-I-S. Also called: MUCOPOLYSACCHARIDOSIS TYPE IS; Scheie Syndrome; MPS V; MUCOPOLYSACCHARIDOSIS TYPE V. Identifiers: Orphanet 93474, MedGen C0026708, MONDO:0011760, OMIM 607016.
Hurler syndrome. Also called: MUCOPOLYSACCHARIDOSIS TYPE IH; Gargoylism, Hurler Syndrome; Severe MPS I (Hurler Syndrome). Identifiers: Orphanet 93473, MedGen C0086795, MONDO:0011758, OMIM 607014.
Mucopolysaccharidosis, MPS-I-H/S. Also called: Mucopolysaccharidosis type IH/S. Identifiers: Orphanet 93476, MedGen C0086431, MONDO:0011759, OMIM 607015.

Allele frequency attached by ClinVar (database versions not stated): gnomAD exomes 0.00001 and 0.00002; gnomAD 0.00001; TOPMed 0.00002.
gnomAD v4.1: 25 of 1,599,196 alleles (0.0016%); highest among the groups gnomAD compares: Non-Finnish European, 0.0021%; no homozygotes.

Submissions (8):

ClinGen Lysosomal Storage Disorder Variant Curation Expert Panel
Classification: Pathogenic for Mucopolysaccharidosis type 1. Last evaluated: 2025-12-14. Review status: reviewed by expert panel. Criteria: ClinGen LSD ACMG Specifications IDUA V1.1.0. Collection method: curation. Allele origin: germline. Inheritance: Autosomal recessive inheritance.
Comment: The NM_000203.4:c.653T>C variant in IDUA is a missense variant predicted to cause substitution of Leucine by Proline at amino acid 218 (p.Leu218Pro). This variant has been detected in at least 12 individuals with MPS I. Of those individuals, at least 9 were compound heterozygous for the variant and another variant in IDUA that has been classified as pathogenic for MPS I based on classification by the ClinGen LD VCEP; specifically, at least 6 were compound heterozygous for the variant and c.208C>T (p.Gln70Ter) (PMID: 7951228, 23837464, 29906569) (ClinVar Variation ID: 11909, phase unconfirmed, max 1 point), 1 was compound heterozygous for the variant and c.159C>A (p.Cys53Ter) (PMID: 34547335) (ClinVar Variation ID: 1458768) (phase unconfirmed, 0.5 points), and at least 2 were compound heterozygous for the variant and c.1205G>A (p.Trp402Ter) (PMID: 7951228, 23837464, 29906569) (ClinVar Variation ID: 11908). At least one of the patients with c.1205G>A (p.Trp402Ter) also carried a third variant, c.299+6C>T (PMID: 22976768) (referred to as G387+6c->t in PMID: 7951228) on the same allele as p.Leu218Pro, indicating that p.Leu218Pro and p.Trp402Ter are in trans (1 point). Of note, c.299+6C>T is benign based on classification by the ClinGen LD VCEP. The phase is unknown for the other patient with p.Trp402Ter (0.5 points). At least 2 individuals were found to be homozygous for the variant (PMID: 7951228, 23837464, 29906569, max 1 point). Another individual was found to be compound heterozygous for the variant and c.943G>T (p.Asp315Tyr) (PMID: 23837464). The allelic data from this patient will be used to support the classification of p.Asp315Tyr and is not included here to avoid circular logic. Total 4 points (PM3_Very Strong). Ten patients were recorded with this variant (PMID: 23837464, PMID: 34547335). Of the nine in (PMID: 23837464), eight were reported to have a clinical phenotype of Hurler and one was reported to have a clinical phenotype of Hurler/Scheie. Five had their enzyme levels recorded and all had deficient IDUA levels. Urine GAGs were measured but results were not reported. Five had upper respiratory tract involvement; four were checked for an inguinal hernia but were found to be absent. (PP4). The computational predictor REVEL gives a score of 0.918 which is above the threshold of 0.773, evidence that correlates with impact to IDUA function at the moderate level based on the specifications of the ClinGen Lysosomal Diseases VCEP (PMID: 36413997) (PP3_Moderate). The highest population minor allele frequency in gnomAD v4.1.0 is 0.00002 (25/1178218 alleles) in the Non-Finnish European population, which is lower than the ClinGen Lysosomal Diseases VCEP’s threshold for PM2_Supporting (<0.00025), meeting this criterion (PM2_Supporting). Expression of the variant in HEK293 cells resulted in a relative specific activity of 0.40% when compared to wild type IDUA, and significantly reduced processing on Western blot. indicating that this variant may impact protein function (PIMD:39702574)(PS3_Supporting). There is a ClinVar entry for this variant (Variation ID:222995). In summary, this variant meets the criteria to be classified as pathogenic for MPS I based on the IDUA-specific ACMG/AMP criteria applied, as specified by the ClinGen Lysosomal Diseases Variant Curation Expert Panel (Specifications Version 1.1.0): PM3_Very Strong, PP3_Moderate, PP4, PS3_Supporting, PM2_Supporting (Classification approved by the ClinGen Lysosomal Diseases Variant Curation Expert Panel on December 14, 2025)

Natera, Inc.
Classification: Pathogenic for Mucopolysaccharidosis type I. Last evaluated: 2025-06-23. Review status: criteria provided, single submitter. Criteria: Natera Variant Classification Schema (03/2026). Collection method: clinical testing. Allele origin: germline. Not counted in ClinVar's aggregate classification.
Comment: The c.653T>C variant in IDUA is a missense variant predicted to cause substitution of leucine to proline at amino acid 218. This variant is rare in the general population with a frequency below the threshold expected for the associated phenotype(s). This variant has been observed in one or more individuals affected with the associated recessive disease, as either homozygous or compound heterozygous with a second variant (PMID: 7951228, 22976768). Given the available evidence, this variant is classified as Pathogenic.

Laboratory of Genetics, Children's Clinical University Hospital Latvia
Classification: Pathogenic. Last evaluated: 2025-02-16. Review status: criteria provided, single submitter. Criteria: ACMG Guidelines, 2015. Collection method: clinical testing. Allele origin: germline. Affected: yes. Not counted in ClinVar's aggregate classification.

Labcorp Genetics (formerly Invitae), Labcorp
Classification: Pathogenic for Mucopolysaccharidosis type 1. Last evaluated: 2025-02-15. Review status: criteria provided, single submitter. Criteria: Invitae Variant Classification Sherloc (09022015). Collection method: clinical testing. Allele origin: germline. Not counted in ClinVar's aggregate classification.
Comment: This sequence change replaces leucine, which is neutral and non-polar, with proline, which is neutral and non-polar, at codon 218 of the IDUA protein (p.Leu218Pro). The frequency data for this variant in the population databases is considered unreliable, as metrics indicate poor data quality at this position in the gnomAD database. This missense change has been observed in individual(s) with mucopolysaccharidosis type I (PMID: 7951228, 22976768, 23786846). In at least one individual the data is consistent with being in trans (on the opposite chromosome) from a pathogenic variant. ClinVar contains an entry for this variant (Variation ID: 222995). Invitae Evidence Modeling of protein sequence and biophysical properties (such as structural, functional, and spatial information, amino acid conservation, physicochemical variation, residue mobility, and thermodynamic stability) indicates that this missense variant is expected to disrupt IDUA protein function with a positive predictive value of 95%. For these reasons, this variant has been classified as Pathogenic.

Fulgent Genetics
Classification: Pathogenic for Hurler syndrome; Mucopolysaccharidosis, MPS-I-H/S; Mucopolysaccharidosis, MPS-I-S. Last evaluated: 2022-05-09. Review status: criteria provided, single submitter. Criteria: ACMG Guidelines, 2015. Collection method: clinical testing. Allele origin: unknown. Not counted in ClinVar's aggregate classification.

Broad Center for Mendelian Genomics, Broad Institute of MIT and Harvard
Classification: Pathogenic for Mucopolysaccharidosis type 1. Last evaluated: 2020-01-13. Review status: criteria provided, single submitter. Criteria: ACMG Guidelines, 2015. Collection method: curation. Allele origin: germline. Inheritance: Autosomal recessive inheritance. Not counted in ClinVar's aggregate classification.
Comment: The p.Leu218Pro variant in IDUA has been reported in at least 15 individuals with mucopolysaccharidosis (MPS) (PMID: 22976768, 23837464, 7951228) and has been identified in 0.002% (2/102072) of European (non-Finnish) chromosomes by the Genome Aggregation Database (gnomAD; dbSNP rs869025584). Although this variant has been seen in the general population, its frequency is low enough to be consistent with a recessive carrier frequency. The Leu at position 218 is not highly conserved in mammals or evolutionary distant species, raising the possibility that a change at this position may be tolerated. However, additional computational prediction tools suggest that this variant may impact the protein, though this information is not predictive enough to determine pathogenicity. The presence of this variant in 3 affected homozygotes and in combination with reported pathogenic variants in 11 individuals with MPS increases the likelihood that the p.Leu218Pro variant is pathogenic (VariationID: 11908, 11909; PMID: 22976768, 23837464, 7951228). The phenotype of individuals compound heterozygous for this variant is highly specific for MPS based on alpha-L-iduronidase activity being <1% of normal, consistent with disease (PMID: 23837464). In summary, this variant meets criteria to be classified as pathogenic for MPS in an autosomal recessive manner based its detection in combination with reported pathogenic variants, its low frequency in the general population, and the phenotype of patients with the variant being highly specific for MPS. ACMG/AMP Criteria applied: PM3_very-strong, PM2, PP4 (Richards 2015).

Eurofins Ntd Llc (ga)
Classification: Pathogenic. Last evaluated: 2016-12-13. Review status: criteria provided, single submitter. Criteria: EGL Classification Definitions 2015. Collection method: clinical testing. Allele origin: germline. Observed: 1 variant allele, 1 heterozygote. Not counted in ClinVar's aggregate classification.

Counsyl
Classification: Pathogenic for Hurler syndrome. Last evaluated: 2018-02-01. Review status: no assertion criteria provided. Collection method: clinical testing. Allele origin: unknown. Not counted in ClinVar's aggregate classification.

Literature cited by the submitters: PubMed 7951228 (cited by 4 submitters); PubMed 22976768 (cited by 4 submitters); PubMed 23786846 (cited by Labcorp Genetics (formerly Invitae), Labcorp); PubMed 23837464 (cited by Broad Center for Mendelian Genomics, Broad Institute of MIT and Harvard and Counsyl).